The following is an entry in ClinVar:

NM_003394.4(WNT10B):c.1069C>T (p.Arg357Trp)

Gene: WNT10B (Wnt family member 10B; minus strand). Cytogenetic location: 12q13.12.
Variant type: single nucleotide variant.
Coding change: c.1069C>T on transcript NM_003394.4 (MANE Select); coding-DNA position 1069, C replaced by T.
Protein change: p.Arg357Trp; replaces arginine 357 with tryptophan.
Molecular consequence: missense variant.
Genome position (GRCh38, 1-based): chr12:48,966,196, G>A on the plus strand (C>T on the coding strand, the complement: WNT10B is on the minus strand). VCF-style: chr12-48966196-G-A. GRCh37 (hg19) VCF-style: chr12-49359979-G-A.
Other names: short protein forms R357W.
Identifiers: ClinVar variation 2442598 (VCV002442598.6), dbSNP rs368571284, ClinGen allele CA6544039.

ClinVar aggregate classification (germline): Uncertain significance. Review status: criteria provided, multiple submitters, no conflicts (2 of 4 stars). 3 submissions from 3 submitters: Uncertain significance (3). Last evaluated 2025-04-04.

Conditions:
Inborn genetic diseases. Identifiers: MedGen C0950123, MeSH D030342.

Allele frequency attached by ClinVar (database versions not stated): gnomAD exomes 0.00002; ExAC 0.00005; gnomAD 0.00007; ESP Exome Variant Server 0.00008; TOPMed 0.00008.
gnomAD v4.1: 41 of 1,613,610 alleles (0.0025%); highest among the groups gnomAD compares: African/African-American, 0.024%; no homozygotes.

Submissions (3):

Ambry Genetics
Classification: Uncertain significance for Inborn genetic diseases. Last evaluated: 2025-04-04. Review status: criteria provided, single submitter. Criteria: Ambry Variant Classification Scheme 2023. Collection method: clinical testing. Allele origin: germline.

Labcorp Genetics (formerly Invitae), Labcorp
Classification: Uncertain significance. Last evaluated: 2023-11-24. Review status: criteria provided, single submitter. Criteria: Invitae Variant Classification Sherloc (09022015). Collection method: clinical testing. Allele origin: germline.
Comment: This sequence change replaces arginine, which is basic and polar, with tryptophan, which is neutral and slightly polar, at codon 357 of the WNT10B protein (p.Arg357Trp). This variant is present in population databases (rs368571284, gnomAD 0.01%). This variant has not been reported in the literature in individuals affected with WNT10B-related conditions. ClinVar contains an entry for this variant (Variation ID: 2442598). Advanced modeling of protein sequence and biophysical properties (such as structural, functional, and spatial information, amino acid conservation, physicochemical variation, residue mobility, and thermodynamic stability) performed at Invitae indicates that this missense variant is not expected to disrupt WNT10B protein function with a negative predictive value of 80%. In summary, the available evidence is currently insufficient to determine the role of this variant in disease. Therefore, it has been classified as a Variant of Uncertain Significance.

GeneDx
Classification: Uncertain significance. Last evaluated: 2023-03-27. Review status: criteria provided, single submitter. Criteria: GeneDx Variant Classification Process June 2021. Collection method: clinical testing. Allele origin: germline. Affected: yes.
Comment: In silico analysis supports that this missense variant has a deleterious effect on protein structure/function; Has not been previously published as pathogenic or benign to our knowledge